The following is an entry in ClinVar:

NM_007194.4(CHEK2):c.1361A>C (p.Glu454Ala)

Gene: CHEK2 (checkpoint kinase 2; minus strand). Cytogenetic location: 22q12.1.
Variant type: single nucleotide variant.
Coding change: c.1361A>C on transcript NM_007194.4 (MANE Select); coding-DNA position 1361, A replaced by C.
Protein change: p.Glu454Ala; replaces glutamic acid 454 with alanine.
Molecular consequence: missense variant.
Genome position (GRCh38, 1-based): chr22:28,695,141, T>G on the plus strand (A>C on the coding strand, the complement: CHEK2 is on the minus strand). VCF-style: chr22-28695141-T-G. GRCh37 (hg19) VCF-style: chr22-29091129-T-G.
Other names: c.1490A>C, p.Glu497Ala (NM_001005735.3); c.698A>C, p.Glu233Ala (NM_001257387.3); c.1160A>C, p.Glu387Ala (NM_001349956.3); c.1274A>C, p.Glu425Ala (NM_145862.3); short protein forms E233A, E387A, E425A, E454A, E497A.
Identifiers: ClinVar variation 1054287 (VCV001054287.11), dbSNP rs1233346197, ClinGen allele CA411095461.

ClinVar aggregate classification (germline): Uncertain significance. Review status: criteria provided, multiple submitters, no conflicts (2 of 4 stars). 2 submissions from 2 submitters: Uncertain significance (2). Last evaluated 2024-03-19.

Conditions:
Familial cancer of breast. Also called: BREAST CANCER, FAMILIAL; Hereditary breast cancer; hereditary breast carcinoma. Identifiers: Orphanet 227535, MedGen C0346153, MONDO:0016419, OMIM 114480. Disease mechanism: loss of function.
Hereditary cancer-predisposing syndrome. Also called: Hereditary Cancer Syndrome; Tumor predisposition; Hereditary neoplastic syndrome; Neoplastic Syndromes, Hereditary. Identifiers: Orphanet 140162, MedGen C0027672, MeSH D009386, MONDO:0015356.

Submissions (2):

Ambry Genetics
Classification: Uncertain significance for Hereditary cancer-predisposing syndrome. Last evaluated: 2024-03-19. Review status: criteria provided, single submitter. Criteria: Ambry Variant Classification Scheme 2023. Collection method: clinical testing. Allele origin: germline.
Comment: The p.E454A variant (also known as c.1361A>C), located in coding exon 11 of the CHEK2 gene, results from an A to C substitution at nucleotide position 1361. The glutamic acid at codon 454 is replaced by alanine, an amino acid with dissimilar properties. This amino acid position is not well conserved in available vertebrate species. In addition, this alteration is predicted to be tolerated by in silico analysis. Based on the available evidence, the clinical significance of this alteration remains unclear.

Labcorp Genetics (formerly Invitae), Labcorp
Classification: Uncertain significance for Familial cancer of breast. Last evaluated: 2020-05-30. Review status: criteria provided, single submitter. Criteria: Invitae Variant Classification Sherloc (09022015). Collection method: clinical testing. Allele origin: germline.
Comment: This sequence change replaces glutamic acid with alanine at codon 454 of the CHEK2 protein (p.Glu454Ala). The glutamic acid residue is moderately conserved and there is a moderate physicochemical difference between glutamic acid and alanine. In summary, the available evidence is currently insufficient to determine the role of this variant in disease. Therefore, it has been classified as a Variant of Uncertain Significance. Algorithms developed to predict the effect of missense changes on protein structure and function output the following: SIFT: "Tolerated"; PolyPhen-2: "Benign"; Align-GVGD: "Class C0". The alanine amino acid residue is found in multiple mammalian species, suggesting that this missense change does not adversely affect protein function. These predictions have not been confirmed by published functional studies and their clinical significance is uncertain. This variant has not been reported in the literature in individuals with CHEK2-related conditions. This variant is not present in population databases (ExAC no frequency).